The following is an entry in ClinVar:

ClinVar aggregate classification (germline): Uncertain significance. Review status: criteria provided, multiple submitters, no conflicts (2 of 4 stars). 2 submissions from 2 submitters: Uncertain significance (2). Last evaluated 2023-09-04.

Conditions:
RYR1-related disorder. Also called: RYR1-related disorders; RYR1-related condition. Identifiers: MedGen CN239331.
Malignant hyperthermia, susceptibility to, 1 (MHS1). Also called: Malignant hyperthermia suceptibility 1; RYR1-Related Malignant Hyperthermia Susceptibility; Anesthesia related hyperthermia; Malignant hyperpyrexia; Fulminating hyperpyrexia; Pharmacogenic myopathy. Identifiers: Orphanet 423, MedGen C2930980, MONDO:0007783, OMIM 145600.

Allele frequency attached by ClinVar (database versions not stated): gnomAD exomes below 0.00001; TOPMed below 0.00001; gnomAD 0.00001.
gnomAD v4.1: 3 of 1,613,944 alleles (0.00019%); highest among the groups gnomAD compares: Non-Finnish European, 0.00025%; no homozygotes.

Submissions (2):

All of Us Research Program, National Institutes of Health
Classification: Uncertain significance for Malignant hyperthermia, susceptibility to, 1. Last evaluated: 2023-09-04. Review status: criteria provided, single submitter. Criteria: ACMG Guidelines, 2015. Collection method: clinical testing. Allele origin: germline. Inheritance: Autosomal dominant inheritance. Observed: 4 variant alleles, 4 heterozygotes.
Comment: This missense variant replaces tyrosine with asparagine at codon 2691 of the RYR1 protein. Computational prediction suggests that this variant may have deleterious impact on protein structure and function (internally defined REVEL score threshold >= 0.7, PMID: 27666373). To our knowledge, functional studies have not been reported for this variant. This variant has not been reported in individuals affected with RYR1-related disorders in the literature. This variant has been identified in 1/251458 chromosomes in the general population by the Genome Aggregation Database (gnomAD). The available evidence is insufficient to determine the role of this variant in disease conclusively. Therefore, this variant is classified as a Variant of Uncertain Significance.

This study involves interpretation of variants in research participants for the purpose of population health screening. Participant phenotype was not available at the time of variant classification. Additional details can be found in publication PMID: 35346344, PMCID: PMC8962531

Labcorp Genetics (formerly Invitae), Labcorp
Classification: Uncertain significance for RYR1-related disorder. Last evaluated: 2022-10-05. Review status: criteria provided, single submitter. Criteria: Invitae Variant Classification Sherloc (09022015). Collection method: clinical testing. Allele origin: germline.
Comment: In summary, the available evidence is currently insufficient to determine the role of this variant in disease. Therefore, it has been classified as a Variant of Uncertain Significance. Advanced modeling of protein sequence and biophysical properties (such as structural, functional, and spatial information, amino acid conservation, physicochemical variation, residue mobility, and thermodynamic stability) performed at Invitae indicates that this missense variant is expected to disrupt RYR1 protein function. ClinVar contains an entry for this variant (Variation ID: 834915). This variant has not been reported in the literature in individuals affected with RYR1-related conditions. This variant is present in population databases (no rsID available, gnomAD 0.0009%). This sequence change replaces tyrosine, which is neutral and polar, with asparagine, which is neutral and polar, at codon 2691 of the RYR1 protein (p.Tyr2691Asn).

NM_000540.3(RYR1):c.8071T>A (p.Tyr2691Asn)

Gene: RYR1 (ryanodine receptor 1; plus strand). Cytogenetic location: 19q13.2.
Variant type: single nucleotide variant.
Coding change: c.8071T>A on transcript NM_000540.3 (MANE Select); coding-DNA position 8071, T replaced by A.
Protein change: p.Tyr2691Asn; replaces tyrosine 2691 with asparagine.
Molecular consequence: missense variant.
Genome position (GRCh38, 1-based): chr19:38,504,751, T>A. VCF-style: chr19-38504751-T-A. GRCh37 (hg19) VCF-style: chr19-38995391-T-A.
Other names: c.8071T>A, p.Tyr2691Asn (NM_001042723.2); short protein forms Y2691N.
Identifiers: ClinVar variation 834915 (VCV000834915.6), dbSNP rs1221624769, ClinGen allele CA405676411.
Genomic context (GRCh38, chr19:38,504,751, plus strand): 5'-TGGGGGTCAGTAAGGCTTATAGCGACCTCCTACCCCTGCTTCACCCGGTTTTCCCAGAAA[T>A]ACGACCCGGAGCTGTACCGCATGGCCATGCCTTGTCTGTGCGCCATTGCCGGGGCTCTGC-3'
Protein context (NP_000531.2, residues 2681-2701): GIFDSLAHKK[Tyr2691Asn]DPELYRMAMP